The following is an entry in ClinVar:

NM_001271.4(CHD2):c.1754_1785del (p.Lys585fs)

Gene: CHD2 (chromodomain helicase DNA binding protein 2; plus strand). Cytogenetic location: 15q26.1.
Variant type: Deletion.
Coding change: c.1754_1785del on transcript NM_001271.4 (MANE Select); coding-DNA positions 1754 to 1785, 32 bases deleted.
Protein change: p.Lys585fs; shifts the reading frame from lysine 585.
Molecular consequence: frameshift variant.
Genome position (GRCh38, 1-based): chr15:92,955,457-92,955,488, 32 bases deleted; deleting any 32 consecutive bases within chr15:92,955,455-92,955,488 gives the same sequence; the c. name uses the placement nearest the transcript's 3' end. GRCh37 (hg19): chr15:93,498,687-93,498,718.
Other names: short protein forms K585fs.
Identifiers: ClinVar variation 955355 (VCV000955355.8), dbSNP rs2053606835, ClinGen allele CA1139664165.

ClinVar aggregate classification (germline): Pathogenic (1 of 4 stars; one submission).

Conditions:
Developmental and epileptic encephalopathy 94 (DEE94). Also called: CHD2-Related Neurodevelopmental Disorders; Epileptic encephalopathy, childhood-onset. Identifiers: Orphanet 1942, Orphanet 2382, MedGen C3809278, MONDO:0014150, OMIM 615369.

Submission:

Labcorp Genetics (formerly Invitae), Labcorp
Classification: Pathogenic for Developmental and epileptic encephalopathy 94. Last evaluated: 2020-03-07. Review status: criteria provided, single submitter. Criteria: Invitae Variant Classification Sherloc (09022015). Collection method: clinical testing. Allele origin: germline.
Comment: For these reasons, this variant has been classified as Pathogenic. Loss-of-function variants in CHD2 are known to be pathogenic (PMID: 23708187, 24207121). This sequence change creates a premature translational stop signal (p.Lys585Ilefs*2) in the CHD2 gene. It is expected to result in an absent or disrupted protein product. This variant is not present in population databases (ExAC no frequency). This variant has not been reported in the literature in individuals with CHD2-related conditions.

Literature cited by the submitters: PubMed 23708187; PubMed 24207121.